The following is an entry in ClinVar:

ClinVar aggregate classification (germline): Uncertain significance. Review status: criteria provided, multiple submitters, no conflicts (2 of 4 stars). 4 submissions from 4 submitters: Uncertain significance (3). 1 of the submissions does not count toward it. Last evaluated 2022-04-07.

Conditions:
Achromatopsia 3 (ACHM3). Also called: ACHROMATOPSIA WITH MYOPIA; TOTAL COLORBLINDNESS WITH MYOPIA; ROD MONOCHROMACY 1; ROD MONOCHROMATISM 1; PINGELAPESE BLINDNESS. Identifiers: Orphanet 49382, MedGen C1849792, MONDO:0009875, OMIM 262300.
Achromatopsia. Also called: Rod monochromatism. Identifiers: Orphanet 49382, MedGen C0152200, MONDO:0018852, HP:0011516.
Inborn genetic diseases. Identifiers: MedGen C0950123, MeSH D030342.

Allele frequency attached by ClinVar (database versions not stated): ExAC 0.00004; TOPMed 0.00007; gnomAD 0.00008; gnomAD exomes 0.00008; 1000 Genomes Project 30x 0.00016; 1000 Genomes Project 0.00020.
gnomAD v4.1: 209 of 1,614,034 alleles (0.013%); highest among the groups gnomAD compares: Non-Finnish European, 0.017%; 1 homozygote.

Submissions (4):

Labcorp Genetics (formerly Invitae), Labcorp
Classification: Uncertain significance. Last evaluated: 2022-04-07. Review status: criteria provided, single submitter. Criteria: Invitae Variant Classification Sherloc (09022015). Collection method: clinical testing. Allele origin: germline.
Comment: This sequence change replaces lysine, which is basic and polar, with glutamic acid, which is acidic and polar, at codon 749 of the CNGB3 protein (p.Lys749Glu). This variant is present in population databases (rs190864281, gnomAD 0.01%). This variant has not been reported in the literature in individuals affected with CNGB3-related conditions. ClinVar contains an entry for this variant (Variation ID: 971893). Advanced modeling of protein sequence and biophysical properties (such as structural, functional, and spatial information, amino acid conservation, physicochemical variation, residue mobility, and thermodynamic stability) performed at Invitae indicates that this missense variant is not expected to disrupt CNGB3 protein function. In summary, the available evidence is currently insufficient to determine the role of this variant in disease. Therefore, it has been classified as a Variant of Uncertain Significance.

Fulgent Genetics
Classification: Uncertain significance for Achromatopsia 3. Last evaluated: 2021-09-23. Review status: criteria provided, single submitter. Criteria: ACMG Guidelines, 2015. Collection method: clinical testing. Allele origin: unknown.

Ambry Genetics
Classification: Uncertain significance for Inborn genetic diseases. Last evaluated: 2021-08-10. Review status: criteria provided, single submitter. Criteria: Ambry Variant Classification Scheme 2023. Collection method: clinical testing. Allele origin: germline.

Natera, Inc.
Classification: Uncertain significance for Achromatopsia. Last evaluated: 2020-02-26. Review status: no assertion criteria provided. Collection method: clinical testing. Allele origin: germline. Not counted in ClinVar's aggregate classification.

NM_019098.5(CNGB3):c.2245A>G (p.Lys749Glu)

Gene: CNGB3 (cyclic nucleotide gated channel subunit beta 3; minus strand). Cytogenetic location: 8q21.3.
Variant type: single nucleotide variant.
Coding change: c.2245A>G on transcript NM_019098.5 (MANE Select); coding-DNA position 2245, A replaced by G.
Protein change: p.Lys749Glu; replaces lysine 749 with glutamic acid.
Molecular consequence: missense variant.
Genome position (GRCh38, 1-based): chr8:86,575,989, T>C on the plus strand (A>G on the coding strand, the complement: CNGB3 is on the minus strand). VCF-style: chr8-86575989-T-C. GRCh37 (hg19) VCF-style: chr8-87588217-T-C.
Other names: short protein forms K749E.
Identifiers: ClinVar variation 971893 (VCV000971893.6), dbSNP rs190864281, ClinGen allele CA4799765.
Genomic context (GRCh38, chr8:86,575,989, plus strand): 5'-AGTGGGGTTCTTCCTCCACTGCAATAGGACTTGCTGTACATTCAGGTCTGTCCAGTGGCT[T>C]CTCTTCTGGCTCTCTTCCTTTATCTTTATCTTCATTTTCTTTTCCTTTATCTTCATTTTC-3'
Protein context (NP_061971.3, residues 739-759): DKDKGREPEE[Lys749Glu]PLDRPECTAS